The following is an entry in ClinVar:

ClinVar aggregate classification (germline): not provided (0 of 4 stars; one submission).

Submission:

Medical Genetics Unit, Ain Shams University Pediatrics Hospital
No classification provided. Review status: no classification provided. Collection method: not provided. Allele origin: unknown.
Comment: Methylmalonic aciduria

NM_000255.4(MMUT):c.385+43del

Gene: MMUT (methylmalonyl-CoA mutase; minus strand). Cytogenetic location: 6p12.3.
Variant type: Deletion.
Coding change: c.385+43del on transcript NM_000255.4 (MANE Select); 43 bases into the intron after coding-DNA position 385, one base deleted (T; older notation c.385+43delT).
Molecular consequence: intron variant.
Genome position (GRCh38, 1-based): chr6:49,459,039, A deleted on the plus strand (T on the coding strand, the reverse complement: MMUT is on the minus strand). VCF-style (leftmost placement, unchanged base first): chr6-49459038-CA-C. GRCh37 (hg19) VCF-style: chr6-49426751-CA-C.
Other names: KC594090.1.
Identifiers: ClinVar variation 100715 (VCV000100715.2), dbSNP rs483352802, ClinGen allele CA235530.
Genomic context (GRCh38, chr6:49,459,038, plus strand): 5'-ATTATAGAGTGAATATCATCTTTACAGAGATTAACCCCCAAAAAATAAAAAACTAGGAGG[CA>C]TATGACTTATCATAAATATTATGTCTTACATTAAAATCTCACCCTTAATGTTGTCCTTAT-3'